The following is an entry in ClinVar:

ClinVar aggregate classification (germline): Likely benign (1 of 4 stars; one submission).

Allele frequency attached by ClinVar (database versions not stated): 1000 Genomes Project 30x 0.00031; ExAC 0.00032; gnomAD 0.00037; ESP Exome Variant Server 0.00102.
gnomAD v4.1: 652 of 1,603,476 alleles (0.041%); highest among the groups gnomAD compares: Non-Finnish European, 0.052%; no homozygotes.

Submission:

CeGaT Center for Human Genetics Tuebingen
Classification: Likely benign. Last evaluated: 2022-08-01. Review status: criteria provided, single submitter. Criteria: CeGaT Center For Human Genetics Tuebingen Variant Classification Criteria Version 2. Collection method: clinical testing. Allele origin: germline. Affected: yes. Observed: 1 variant allele.
Comment: KRTAP10-4: BP4, BP7

NM_198687.2(KRTAP10-4):c.573T>C (p.Cys191=)

Genes: KRTAP10-4 (keratin associated protein 10-4; plus strand), TSPEAR (thrombospondin type laminin G domain and EAR repeats; minus strand). Cytogenetic location: 21q22.3.
Variant type: single nucleotide variant.
Coding change: c.573T>C on transcript NM_198687.2 (MANE Select); coding-DNA position 573, T replaced by C.
Protein change: p.Cys191=; no amino-acid change (cysteine 191 retained).
Molecular consequence: synonymous variant. On other transcripts: intron variant (2).
Genome position (GRCh38, 1-based): chr21:44,574,331, T>C. VCF-style: chr21-44574331-T-C. GRCh37 (hg19) VCF-style: chr21-45994208-T-C.
Other names: c.83-6326A>G (NM_144991.3); c.-122-6326A>G (NM_001272037.2).
Identifiers: ClinVar variation 2652764 (VCV002652764.24), dbSNP rs372467407, ClinGen allele CA10058312.